The following is an entry in ClinVar:

ClinVar aggregate classification (germline): Conflicting classifications of pathogenicity. Review status: criteria provided, conflicting classifications (1 of 4 stars). 2 submissions from 2 submitters: Uncertain significance (1); Likely benign (1). Last evaluated 2025-04-02.

Conditions:
Familial sleep-related hypermotor epilepsy. Also called: Autosomal Dominant Sleep-Related Hypermotor (Hyperkinetic) Epilepsy. Identifiers: Orphanet 98784, MedGen C3696898, MONDO:0000030.

Allele frequency attached by ClinVar (database versions not stated): gnomAD 0.00001.

Submissions (2):

GeneDx
Classification: Uncertain significance. Last evaluated: 2025-04-02. Review status: criteria provided, single submitter. Criteria: GeneDx Variant Classification Process June 2021. Collection method: clinical testing. Allele origin: germline. Affected: yes.
Comment: Not observed at significant frequency in large population cohorts (gnomAD); In silico analysis indicates that this missense variant does not alter protein structure/function; Has not been previously published as pathogenic or benign to our knowledge

Labcorp Genetics (formerly Invitae), Labcorp
Classification: Likely benign. Last evaluated: 2024-04-15. Review status: criteria provided, single submitter. Criteria: Invitae Variant Classification Sherloc (09022015). Collection method: clinical testing. Allele origin: germline.

NM_000742.4(CHRNA2):c.1340C>T (p.Ser447Leu)

Gene: CHRNA2 (cholinergic receptor nicotinic alpha 2 subunit; minus strand). Cytogenetic location: 8p21.2.
Variant type: single nucleotide variant.
Coding change: c.1340C>T on transcript NM_000742.4 (MANE Select); coding-DNA position 1340, C replaced by T.
Protein change: p.Ser447Leu; replaces serine 447 with leucine.
Molecular consequence: missense variant.
Genome position (GRCh38, 1-based): chr8:27,463,103, G>A on the plus strand (C>T on the coding strand, the complement: CHRNA2 is on the minus strand). VCF-style: chr8-27463103-G-A. GRCh37 (hg19) VCF-style: chr8-27320620-G-A.
Other names: c.1340C>T (NM_000742.3); c.1295C>T, p.Ser432Leu (NM_001282455.2); c.863C>T, p.Ser288Leu (NM_001347705.2, NM_001347706.2); c.746C>T, p.Ser249Leu (NM_001347707.2, NM_001347708.2); short protein forms S249L, S288L, S432L, S447L.
Identifiers: ClinVar variation 1078883 (VCV001078883.8), dbSNP rs1812554029, ClinGen allele CA370808858.